The following is an entry in ClinVar:

NM_012434.5(SLC17A5):c.923T>G (p.Leu308Ter)

Gene: SLC17A5 (solute carrier family 17 member 5; minus strand). Cytogenetic location: 6q13.
Variant type: single nucleotide variant.
Coding change: c.923T>G on transcript NM_012434.5 (MANE Select); coding-DNA position 923, T replaced by G.
Protein change: p.Leu308Ter; replaces leucine 308 with a stop codon.
Molecular consequence: nonsense.
Genome position (GRCh38, 1-based): chr6:73,621,859, A>C on the plus strand (T>G on the coding strand, the complement: SLC17A5 is on the minus strand). VCF-style: chr6-73621859-A-C. GRCh37 (hg19) VCF-style: chr6-74331582-A-C.
Other names: short protein forms L308*.
Identifiers: ClinVar variation 841274 (VCV000841274.7), dbSNP rs766036082, ClinGen allele CA364713398.
Genomic context (GRCh38, chr6:73,621,859, plus strand): 5'-CTTACCTCTTGAACATTGAACCTTAGGATCTCCTTCATATAAGTAGGCAATAATGTCAAT[A>C]AAGTATAAAAAGTCCAGTTGTAAGAAAAGTGTGCAACTACGATAGCCCAAAGTGGCAGGG-3'

ClinVar aggregate classification (germline): Pathogenic (1 of 4 stars; one submission).

Conditions:
Salla disease (SD). Also called: Less Severe FSASD (Salla Disease); Sialuria, Finnish type; N-acetylneuraminic acid (NANA) storage disease (NSD); Infantile sialic acid storage disorder (ISSD). Identifiers: Orphanet 309334, Orphanet 834, MedGen C1096903, MONDO:0011449, OMIM 604369.

Submission:

Labcorp Genetics (formerly Invitae), Labcorp
Classification: Pathogenic for Salla disease. Last evaluated: 2019-11-22. Review status: criteria provided, single submitter. Criteria: Invitae Variant Classification Sherloc (09022015). Collection method: clinical testing. Allele origin: germline.
Comment: This variant has not been reported in the literature in individuals with SLC17A5-related conditions. For these reasons, this variant has been classified as Pathogenic. Loss-of-function variants in SLC17A5 are known to be pathogenic (PMID: 10581036, 10947946, 15172001). This variant is not present in population databases (ExAC no frequency). This sequence change creates a premature translational stop signal (p.Leu308*) in the SLC17A5 gene. It is expected to result in an absent or disrupted protein product.

Literature cited by the submitters: PubMed 10581036; PubMed 10947946; PubMed 15172001.